The following is an entry in ClinVar:

NM_001267550.2(TTN):c.48759del (p.Glu16254fs)

Genes: TTN (titin; minus strand), TTN-AS1 (TTN antisense RNA 1; plus strand), LOC126806426 (BRD4-independent group 4 enhancer GRCh37_chr2:179478848-179480047; plus strand). Cytogenetic location: 2q31.2.
Variant type: Deletion.
Coding change: c.48759del on transcript NM_001267550.2 (MANE Select); coding-DNA position 48759, one base deleted (A; older notation c.48759delA).
Protein change: p.Glu16254fs; shifts the reading frame from glutamic acid 16254.
Molecular consequence: frameshift variant.
Genome position (GRCh38, 1-based): chr2:178,614,848, T deleted on the plus strand (A on the coding strand, the reverse complement: TTN is on the minus strand); the first of 2 consecutive T bases (chr2:178,614,848-178,614,849); deleting either gives the same sequence. VCF-style (leftmost placement, unchanged base first): chr2-178614847-CT-C. GRCh37 (hg19) VCF-style: chr2-179479574-CT-C.
Other names: c.43836del, p.Glu14613fs (NM_001256850.1); c.21564del, p.Glu7189fs (NM_003319.4); c.41055del, p.Glu13686fs (NM_133378.4); c.21939del, p.Glu7314fs (NM_133432.3); c.22140del, p.Glu7381fs (NM_133437.4); short protein forms E13686fs, E14613fs, E16254fs, E7189fs, E7314fs, E7381fs.
Identifiers: ClinVar variation 1066919 (VCV001066919.9), dbSNP rs2057015875, ClinGen allele CA1039713672.

ClinVar aggregate classification (germline): Likely pathogenic (1 of 4 stars; one submission).

Conditions:
Dilated cardiomyopathy 1G (CMD1G). Identifiers: Orphanet 154, MedGen C1858763, MONDO:0011400, OMIM 604145.
Autosomal recessive limb-girdle muscular dystrophy type 2J (LGMDR10). Also called: Limb-girdle muscular dystrophy, type 2J; MUSCULAR DYSTROPHY, LIMB-GIRDLE, AUTOSOMAL RECESSIVE 10. Identifiers: Orphanet 140922, MedGen C1837342, MONDO:0012127, OMIM 608807.

Submission:

Labcorp Genetics (formerly Invitae), Labcorp
Classification: Likely pathogenic for Dilated cardiomyopathy 1G; Autosomal recessive limb-girdle muscular dystrophy type 2J. Last evaluated: 2025-06-02. Review status: criteria provided, single submitter. Criteria: Invitae Variant Classification Sherloc (09022015). Collection method: clinical testing. Allele origin: germline.
Comment: This sequence change creates a premature translational stop signal (p.Glu16254Argfs*9) in the TTN gene. While this is not anticipated to result in nonsense mediated decay, it is expected to create a truncated TTN protein. This variant is not present in population databases (gnomAD no frequency). This variant has not been reported in the literature in individuals affected with TTN-related conditions. ClinVar contains an entry for this variant (Variation ID: 1066919). This variant is located in the A band of TTN (PMID: 25589632). Truncating variants in this region are significantly overrepresented in patients affected with dilated cardiomyopathy (PMID: 25589632). Truncating variants in this region have also been reported in individuals affected with autosomal recessive centronuclear myopathy (PMID: 23975875). In summary, the currently available evidence indicates that the variant is pathogenic, but additional data are needed to prove that conclusively. Therefore, this variant has been classified as Likely Pathogenic.

Literature cited by the submitters: PubMed 25589632; PubMed 23975875.